The following is an entry in ClinVar:

NM_000391.4(TPP1):c.1142C>T (p.Ser381Phe)

Gene: TPP1 (tripeptidyl peptidase 1; minus strand). Cytogenetic location: 11p15.4.
Variant type: single nucleotide variant.
Coding change: c.1142C>T on transcript NM_000391.4 (MANE Select); coding-DNA position 1142, C replaced by T.
Protein change: p.Ser381Phe; replaces serine 381 with phenylalanine.
Molecular consequence: missense variant.
Genome position (GRCh38, 1-based): chr11:6,616,008, G>A on the plus strand (C>T on the coding strand, the complement: TPP1 is on the minus strand). VCF-style: chr11-6616008-G-A. GRCh37 (hg19) VCF-style: chr11-6637239-G-A.
Other names: short protein forms S381F.
Identifiers: ClinVar variation 3775721 (VCV003775721.1).

ClinVar aggregate classification (germline): Uncertain significance (1 of 4 stars; one submission).

Conditions:
Neuronal ceroid lipofuscinosis 2. Also called: JANSKY-BIELSCHOWSKY DISEASE NEURONAL CEROID LIPOFUSCINOSIS, LATE INFANTILE; TPP1-Related Neuronal Ceroid-Lipofuscinosis. Identifiers: Orphanet 168491, Orphanet 228349, Orphanet 79264, MedGen C1876161, MONDO:0008769, OMIM 204500.

gnomAD v4.1: 1 of 1,614,018 alleles (0.000062%); highest among the groups gnomAD compares: African/African-American, 0.0013%; no homozygotes.

Submission:

3billion
Classification: Uncertain significance for Neuronal ceroid lipofuscinosis 2. Last evaluated: 2024-01-18. Review status: criteria provided, single submitter. Criteria: ACMG Guidelines, 2015. Collection method: clinical testing. Allele origin: germline. Affected: yes.
Comment: The variant is not observed in the gnomAD v2.1.1 dataset. Predicted Consequence/Location: Missense variant In silico tool predictions suggest damaging effect of the variant on gene or gene product [REVEL: 0.86 (>=0.6, sensitivity 0.68 and specificity 0.92); 3Cnet: 0.91 (>=0.6, sensitivity 0.72 and precision 0.9)]. Therefore, this variant is classified as VUS according to the recommendation of ACMG/AMP guideline.